The following is an entry in ClinVar:

NM_003719.5(PDE8B):c.1113T>C (p.Ile371=)

Gene: PDE8B (phosphodiesterase 8B; plus strand). Cytogenetic location: 5q13.3.
Variant type: single nucleotide variant.
Coding change: c.1113T>C on transcript NM_003719.5 (MANE Select); coding-DNA position 1113, T replaced by C.
Protein change: p.Ile371=; no amino-acid change (isoleucine 371 retained).
Molecular consequence: synonymous variant. On other transcripts: intron variant (7).
Genome position (GRCh38, 1-based): chr5:77,353,352, T>C. VCF-style: chr5-77353352-T-C. GRCh37 (hg19) VCF-style: chr5-76649177-T-C.
Other names: c.741T>C, p.Ile247= (NM_001349753.2, NM_001376067.1, NM_001376068.1 and 2 more transcripts); c.810T>C, p.Ile270= (NM_001376062.1, NM_001376072.1); c.750T>C, p.Ile250= (NM_001376066.1); c.729T>C, p.Ile243= (NM_001376069.1); c.669T>C, p.Ile223= (NM_001376070.1); c.666T>C, p.Ile222= (NM_001376071.1); c.573+8421T>C (NM_001376073.1); c.513+8421T>C (NM_001376074.1); and 12 more.
Identifiers: ClinVar variation 2655550 (VCV002655550.24), dbSNP rs372780234, ClinGen allele CA3315144.

ClinVar aggregate classification (germline): Likely benign (1 of 4 stars; one submission).

Allele frequency attached by ClinVar (database versions not stated): ExAC 0.00001; gnomAD 0.00001; TOPMed 0.00001; ESP Exome Variant Server 0.00008.

Submission:

CeGaT Center for Human Genetics Tuebingen
Classification: Likely benign. Last evaluated: 2023-02-01. Review status: criteria provided, single submitter. Criteria: CeGaT Center For Human Genetics Tuebingen Variant Classification Criteria Version 2. Collection method: clinical testing. Allele origin: germline. Affected: yes. Observed: 1 variant allele.
Comment: PDE8B: BP4, BP7